The following is an entry in ClinVar:

ClinVar aggregate classification (germline): Uncertain significance (1 of 4 stars; one submission).

Submission:

GeneDx
Classification: Uncertain significance. Last evaluated: 2025-07-02. Review status: criteria provided, single submitter. Criteria: GeneDx Variant Classification Process June 2021. Collection method: clinical testing. Allele origin: germline. Affected: yes.
Comment: Not observed at significant frequency in large population cohorts (gnomAD); In silico analysis suggests that this missense variant does not alter protein structure/function; Has not been previously published as pathogenic or benign to our knowledge; This substitution is predicted to be within the transmembrane segment S6 of the first homologous domain

NM_001165963.4(SCN1A):c.1216G>A (p.Val406Ile)

Gene: SCN1A (sodium voltage-gated channel alpha subunit 1; minus strand). Cytogenetic location: 2q24.3.
Variant type: single nucleotide variant.
Coding change: c.1216G>A on transcript NM_001165963.4 (MANE Select); coding-DNA position 1216, G replaced by A.
Protein change: p.Val406Ile; replaces valine 406 with isoleucine.
Molecular consequence: missense variant. On other transcripts: non-coding transcript variant (1), 5 prime UTR variant (1).
Genome position (GRCh38, 1-based): chr2:166,046,931, C>T on the plus strand (G>A on the coding strand, the complement: SCN1A is on the minus strand). VCF-style: chr2-166046931-C-T. GRCh37 (hg19) VCF-style: chr2-166903441-C-T.
Other names: c.1216G>A, p.Val406Ile (NM_006920.6, NM_001353952.2, NM_001353954.2 and 10 more transcripts); c.-1210G>A (NM_001353961.2); short protein forms V406I.
Identifiers: ClinVar variation 4680918 (VCV004680918.1).